The following is an entry in ClinVar:

NM_004621.6(TRPC6):c.2392G>C (p.Asp798His)

Gene: TRPC6 (transient receptor potential cation channel subfamily C member 6; minus strand). Cytogenetic location: 11q22.1.
Variant type: single nucleotide variant.
Coding change: c.2392G>C on transcript NM_004621.6 (MANE Select); coding-DNA position 2392, G replaced by C.
Protein change: p.Asp798His; replaces aspartic acid 798 with histidine.
Molecular consequence: missense variant.
Genome position (GRCh38, 1-based): chr11:101,471,200, C>G on the plus strand (G>C on the coding strand, the complement: TRPC6 is on the minus strand). VCF-style: chr11-101471200-C-G. GRCh37 (hg19) VCF-style: chr11-101341931-C-G.
Other names: short protein forms D798H.
Identifiers: ClinVar variation 877459 (VCV000877459.9), dbSNP rs201522744, ClinGen allele CA6244139.

ClinVar aggregate classification (germline): Benign/Likely benign. Review status: criteria provided, multiple submitters, no conflicts (2 of 4 stars). 3 submissions from 3 submitters: Benign (1); Likely benign (2). Last evaluated 2025-07-28.

Conditions:
Focal segmental glomerulosclerosis 2 (FSGS2). Identifiers: Orphanet 656, MedGen C1858915, MONDO:0011390, OMIM 603965.

Allele frequency attached by ClinVar (database versions not stated): ESP Exome Variant Server 0.00008; ExAC 0.00018; gnomAD exomes 0.00018 and 0.00053; gnomAD 0.00019 and 0.00022; TOPMed 0.00021.
gnomAD v4.1: 790 of 1,613,744 alleles (0.049%); highest among the groups gnomAD compares: Non-Finnish European, 0.063%; no homozygotes.

Submissions (3):

Labcorp Genetics (formerly Invitae), Labcorp
Classification: Likely benign. Last evaluated: 2025-07-28. Review status: criteria provided, single submitter. Criteria: Invitae Variant Classification Sherloc (09022015). Collection method: clinical testing. Allele origin: germline.

Blueprint Genetics
Classification: Likely benign. Last evaluated: 2024-08-15. Review status: criteria provided, single submitter. Criteria: ACMG Guidelines, 2015. Collection method: clinical testing. Allele origin: germline.

Illumina Laboratory Services, Illumina
Classification: Benign for Focal segmental glomerulosclerosis 2. Last evaluated: 2018-01-13. Review status: criteria provided, single submitter. Criteria: ICSL Variant Classification Criteria 13 December 2019. Collection method: clinical testing. Allele origin: germline.
Comment: This variant was observed in the ICSL laboratory as part of a predisposition screen in an ostensibly healthy population. It had not been previously curated by ICSL or reported in the Human Gene Mutation Database (HGMD: prior to June 1st, 2018), and was therefore a candidate for classification through an automated scoring system. Utilizing variant allele frequency, disease prevalence and penetrance estimates, and inheritance mode, an automated score was calculated to assess if this variant is too frequent to cause the disease. Based on the score and internal cut-off values, a variant classified as benign is not then subjected to further curation. The score for this variant resulted in a classification of benign for this disease.